The following is an entry in ClinVar:

ClinVar aggregate classification (germline): Uncertain significance. Review status: criteria provided, multiple submitters, no conflicts (2 of 4 stars). 4 submissions from 4 submitters: Uncertain significance (4). Last evaluated 2022-10-05.

Conditions:
Seizures, benign familial infantile, 3 (BFIS3). Also called: CONVULSIONS, BENIGN FAMILIAL INFANTILE, 3; Familial neonatal seizures. Identifiers: Orphanet 140927, Orphanet 306, MedGen C1843140, MONDO:0011904, OMIM 607745.
Developmental and epileptic encephalopathy, 11 (DEE11). Also called: Early infantile epileptic encephalopathy 11. Identifiers: Orphanet 1934, MedGen C3150987, MONDO:0013388, OMIM 613721.

Allele frequency attached by ClinVar (database versions not stated): gnomAD exomes 0.00002.
gnomAD v4.1: 14 of 1,613,658 alleles (0.00087%); highest among the groups gnomAD compares: Middle Eastern, 0.21%; no homozygotes.

Submissions (4):

Labcorp Genetics (formerly Invitae), Labcorp
Classification: Uncertain significance for Seizures, benign familial infantile, 3; Developmental and epileptic encephalopathy, 11. Last evaluated: 2022-10-05. Review status: criteria provided, single submitter. Criteria: Invitae Variant Classification Sherloc (09022015). Collection method: clinical testing. Allele origin: germline.
Comment: This sequence change replaces proline, which is neutral and non-polar, with leucine, which is neutral and non-polar, at codon 726 of the SCN2A protein (p.Pro726Leu). This variant is not present in population databases (gnomAD no frequency). This variant has not been reported in the literature in individuals affected with SCN2A-related conditions. ClinVar contains an entry for this variant (Variation ID: 533487). Advanced modeling of protein sequence and biophysical properties (such as structural, functional, and spatial information, amino acid conservation, physicochemical variation, residue mobility, and thermodynamic stability) performed at Invitae indicates that this missense variant is expected to disrupt SCN2A protein function. In summary, the available evidence is currently insufficient to determine the role of this variant in disease. Therefore, it has been classified as a Variant of Uncertain Significance.

Revvity Omics, Revvity
Classification: Uncertain significance. Last evaluated: 2022-05-17. Review status: criteria provided, single submitter. Criteria: ACMG Guidelines, 2015. Collection method: clinical testing. Allele origin: germline.

Blueprint Genetics
Classification: Uncertain significance. Last evaluated: 2020-03-14. Review status: criteria provided, single submitter. Criteria: ACMG Guidelines, 2015. Collection method: clinical testing. Allele origin: germline.

Mayo Clinic Laboratories, Mayo Clinic
Classification: Uncertain significance. Last evaluated: 2019-04-15. Review status: criteria provided, single submitter. Criteria: ACMG Guidelines, 2015. Collection method: clinical testing. Allele origin: germline. Observed: 2 variant alleles.

NM_001040142.2(SCN2A):c.2177C>T (p.Pro726Leu)

Gene: SCN2A (sodium voltage-gated channel alpha subunit 2; plus strand). Cytogenetic location: 2q24.3.
Variant type: single nucleotide variant.
Coding change: c.2177C>T on transcript NM_001040142.2 (MANE Select); coding-DNA position 2177, C replaced by T.
Protein change: p.Pro726Leu; replaces proline 726 with leucine.
Molecular consequence: missense variant.
Genome position (GRCh38, 1-based): chr2:165,331,357, C>T. VCF-style: chr2-165331357-C-T. GRCh37 (hg19) VCF-style: chr2-166187867-C-T.
Other names: c.2177C>T, p.Pro726Leu (NM_001040143.2, NM_001371246.1, NM_001371247.1 and 1 more transcripts); short protein forms P726L.
Identifiers: ClinVar variation 533487 (VCV000533487.19), dbSNP rs867268264, ClinGen allele CA59741189.